The following is an entry in ClinVar:

ClinVar aggregate classification (germline): Uncertain significance (1 of 4 stars; one submission).

Conditions:
Cutis laxa, autosomal dominant 3 (ADCL3). Identifiers: Orphanet 90348, MedGen C4225268, MONDO:0014706, OMIM 616603.
Autosomal dominant spastic paraplegia type 9. Identifiers: MedGen C1832669, MONDO:0015091.
de Barsy syndrome. Also called: Cutis laxa-corneal clouding-oligophrenia syndrome. Identifiers: Orphanet 2962, MedGen C0268354, MONDO:0017569.

gnomAD v4.1: 1 of 1,614,134 alleles (0.000062%); highest among the groups gnomAD compares: South Asian, 0.0011%; no homozygotes.

Submission:

Labcorp Genetics (formerly Invitae), Labcorp
Classification: Uncertain significance for Autosomal dominant spastic paraplegia type 9; de Barsy syndrome; Cutis laxa, autosomal dominant 3. Last evaluated: 2025-09-04. Review status: criteria provided, single submitter. Criteria: Invitae Variant Classification Sherloc (09022015). Collection method: clinical testing. Allele origin: germline.
Comment: This sequence change replaces isoleucine, which is neutral and non-polar, with methionine, which is neutral and non-polar, at codon 633 of the ALDH18A1 protein (p.Ile633Met). This variant is not present in population databases (gnomAD no frequency). This variant has not been reported in the literature in individuals affected with ALDH18A1-related conditions. Invitae Evidence Modeling of protein sequence and biophysical properties (such as structural, functional, and spatial information, amino acid conservation, physicochemical variation, residue mobility, and thermodynamic stability) indicates that this missense variant is not expected to disrupt ALDH18A1 protein function with a negative predictive value of 80%. In summary, the available evidence is currently insufficient to determine the role of this variant in disease. Therefore, it has been classified as a Variant of Uncertain Significance.

NM_002860.4(ALDH18A1):c.1899C>G (p.Ile633Met)

Gene: ALDH18A1 (aldehyde dehydrogenase 18 family member A1; minus strand). Cytogenetic location: 10q24.1.
Variant type: single nucleotide variant.
Coding change: c.1899C>G on transcript NM_002860.4 (MANE Select); coding-DNA position 1899, C replaced by G.
Protein change: p.Ile633Met; replaces isoleucine 633 with methionine.
Molecular consequence: missense variant.
Genome position (GRCh38, 1-based): chr10:95,613,766, G>C on the plus strand (C>G on the coding strand, the complement: ALDH18A1 is on the minus strand). VCF-style: chr10-95613766-G-C. GRCh37 (hg19) VCF-style: chr10-97373523-G-C.
Other names: c.1893C>G, p.Ile631Met (NM_001017423.2, NM_001323415.2); c.1566C>G, p.Ile522Met (NM_001323412.2, NM_001323416.2); c.1899C>G, p.Ile633Met (NM_001323413.2, NM_001323414.2); c.1794C>G, p.Ile598Met (NM_001323417.2); c.1560C>G, p.Ile520Met (NM_001323418.2); c.1263C>G, p.Ile421Met (NM_001323419.2); short protein forms I421M, I520M, I633M, I598M, I631M, I522M.
Identifiers: ClinVar variation 4782846 (VCV004782846.1).